The following is an entry in ClinVar:

NM_004656.4(BAP1):c.1786del (p.Ser596fs)

Gene: BAP1 (BRCA1 associated deubiquitinase 1; minus strand). Cytogenetic location: 3p21.1.
Variant type: Deletion.
Coding change: c.1786del on transcript NM_004656.4 (MANE Select); coding-DNA position 1786, one base deleted (A; older notation c.1786delA).
Protein change: p.Ser596fs; shifts the reading frame from serine 596.
Molecular consequence: frameshift variant.
Genome position (GRCh38, 1-based): chr3:52,403,242, T deleted on the plus strand (A on the coding strand, the reverse complement: BAP1 is on the minus strand). VCF-style (leftmost placement, unchanged base first): chr3-52403241-CT-C. GRCh37 (hg19) VCF-style: chr3-52437257-CT-C.
Other names: short protein forms S596fs.
Identifiers: ClinVar variation 1396376 (VCV001396376.8), dbSNP rs2153226489, ClinGen allele CA2573137309.

ClinVar aggregate classification (germline): Pathogenic. Review status: criteria provided, multiple submitters, no conflicts (2 of 4 stars). 2 submissions from 2 submitters: Pathogenic (2). Last evaluated 2021-09-14.

Conditions:
Hereditary cancer-predisposing syndrome. Also called: Neoplastic Syndromes, Hereditary; Hereditary neoplastic syndrome; Tumor predisposition; Hereditary Cancer Syndrome. Identifiers: Orphanet 140162, MedGen C0027672, MeSH D009386, MONDO:0015356.
BAP1-related tumor predisposition syndrome (TPDS1). Also called: COMMON Syndrome; TUMOR PREDISPOSITION SYNDROME 1; Tumor susceptibility linked to germline BAP1 mutations; BAP1 tumor predisposition syndrome. Identifiers: Orphanet 289539, MedGen C3280492, MONDO:0013692, OMIM 614327.

Submissions (2):

Labcorp Genetics (formerly Invitae), Labcorp
Classification: Pathogenic for BAP1-related tumor predisposition syndrome. Last evaluated: 2021-09-14. Review status: criteria provided, single submitter. Criteria: Invitae Variant Classification Sherloc (09022015). Collection method: clinical testing. Allele origin: germline.
Comment: For these reasons, this variant has been classified as Pathogenic. This variant has not been reported in the literature in individuals affected with BAP1-related conditions. This variant is not present in population databases (ExAC no frequency). This sequence change creates a premature translational stop signal (p.Ser596Alafs*21) in the BAP1 gene. It is expected to result in an absent or disrupted protein product. Loss-of-function variants in BAP1 are known to be pathogenic (PMID: 21874000, 23684012).

Ambry Genetics
Classification: Pathogenic for Hereditary cancer-predisposing syndrome. Last evaluated: 2020-09-22. Review status: criteria provided, single submitter. Criteria: Ambry Variant Classification Scheme 2023. Collection method: clinical testing. Allele origin: germline.
Comment: The c.1786delA pathogenic mutation, located in coding exon 14 of the BAP1 gene, results from a deletion of one nucleotide at nucleotide position 1786, causing a translational frameshift with a predicted alternate stop codon (p.S596Afs*21). This alteration is expected to result in loss of function by premature protein truncation or nonsense-mediated mRNA decay. As such, this alteration is interpreted as a disease-causing mutation.

Literature cited by the submitters: PubMed 21874000 (cited by Labcorp Genetics (formerly Invitae), Labcorp); PubMed 23684012 (cited by Labcorp Genetics (formerly Invitae), Labcorp).